The following is an entry in ClinVar:

NM_014679.5(CEP57):c.378T>A (p.Asn126Lys)

Gene: CEP57 (centrosomal protein 57; plus strand). Cytogenetic location: 11q21.
Variant type: single nucleotide variant.
Coding change: c.378T>A on transcript NM_014679.5 (MANE Select); coding-DNA position 378, T replaced by A.
Protein change: p.Asn126Lys; replaces asparagine 126 with lysine.
Molecular consequence: missense variant.
Genome position (GRCh38, 1-based): chr11:95,813,107, T>A. VCF-style: chr11-95813107-T-A. GRCh37 (hg19) VCF-style: chr11-95546271-T-A.
Other names: c.351T>A, p.Asn117Lys (NM_001243776.2); c.378T>A, p.Asn126Lys (NM_001243777.2); c.297T>A, p.Asn99Lys (NM_001363604.2); short protein forms N117K, N126K, N99K.
Identifiers: ClinVar variation 1426014 (VCV001426014.8), dbSNP rs1233148579, ClinGen allele CA382421254.
Genomic context (GRCh38, chr11:95,813,107, plus strand): 5'-AGTACTGGATGAACAGATACAAGAAAGGGAGAATTCAAAGAATGAGGAATCAAAGCACAA[T>A]CAAGGTTTGTTGATGAAGAAAATTAAAATTCTATCAAAATAAGTGTTGTGCAGTATTAAG-3'
Protein context (NP_055494.2, residues 116-136): ENSKNEESKH[Asn126Lys]QELTSQLLAA

ClinVar aggregate classification (germline): Uncertain significance (1 of 4 stars; one submission).

Conditions:
Mosaic variegated aneuploidy syndrome 2 (MVA2). Identifiers: Orphanet 1052, MedGen C3279843, MONDO:0013582, OMIM 614114.

Submission:

Labcorp Genetics (formerly Invitae), Labcorp
Classification: Uncertain significance for Mosaic variegated aneuploidy syndrome 2. Last evaluated: 2022-12-29. Review status: criteria provided, single submitter. Criteria: Invitae Variant Classification Sherloc (09022015). Collection method: clinical testing. Allele origin: germline.
Comment: This variant is not present in population databases (gnomAD no frequency). In summary, the available evidence is currently insufficient to determine the role of this variant in disease. Therefore, it has been classified as a Variant of Uncertain Significance. Advanced modeling of protein sequence and biophysical properties (such as structural, functional, and spatial information, amino acid conservation, physicochemical variation, residue mobility, and thermodynamic stability) performed at Invitae indicates that this missense variant is not expected to disrupt CEP57 protein function. ClinVar contains an entry for this variant (Variation ID: 1426014). This variant has not been reported in the literature in individuals affected with CEP57-related conditions. This sequence change replaces asparagine, which is neutral and polar, with lysine, which is basic and polar, at codon 126 of the CEP57 protein (p.Asn126Lys).